The following is an entry in ClinVar:

ClinVar aggregate classification (germline): Uncertain significance (1 of 4 stars; one submission).

Allele frequency attached by ClinVar (database versions not stated): gnomAD exomes below 0.00001; ExAC 0.00001.

Submission:

Labcorp Genetics (formerly Invitae), Labcorp
Classification: Uncertain significance. Last evaluated: 2022-08-15. Review status: criteria provided, single submitter. Criteria: Invitae Variant Classification Sherloc (09022015). Collection method: clinical testing. Allele origin: germline.
Comment: This sequence change replaces valine, which is neutral and non-polar, with alanine, which is neutral and non-polar, at codon 296 of the PLAA protein (p.Val296Ala). This variant has not been reported in the literature in individuals affected with PLAA-related conditions. This variant is present in population databases (rs761318778, gnomAD 0.0009%). In summary, the available evidence is currently insufficient to determine the role of this variant in disease. Therefore, it has been classified as a Variant of Uncertain Significance. Algorithms developed to predict the effect of missense changes on protein structure and function (SIFT, PolyPhen-2, Align-GVGD) all suggest that this variant is likely to be disruptive. ClinVar contains an entry for this variant (Variation ID: 1366333).

NM_001031689.3(PLAA):c.887T>C (p.Val296Ala)

Gene: PLAA (phospholipase A2 activating protein; minus strand). Cytogenetic location: 9p21.2.
Variant type: single nucleotide variant.
Coding change: c.887T>C on transcript NM_001031689.3 (MANE Select); coding-DNA position 887, T replaced by C.
Protein change: p.Val296Ala; replaces valine 296 with alanine.
Molecular consequence: missense variant.
Genome position (GRCh38, 1-based): chr9:26,923,330, A>G on the plus strand (T>C on the coding strand, the complement: PLAA is on the minus strand). VCF-style: chr9-26923330-A-G. GRCh37 (hg19) VCF-style: chr9-26923328-A-G.
Other names: c.887T>C, p.Val296Ala (NM_001321546.2); short protein forms V296A.
Identifiers: ClinVar variation 1366333 (VCV001366333.8), dbSNP rs761318778, ClinGen allele CA5014516.
Genomic context (GRCh38, chr9:26,923,330, plus strand): 5'-TCTTTTTCAAAAGCCTTGATTTCTTCAGCACTTGCTGTTCGATCTTCTGATTCTGTAAAC[A>G]CTCTAATAATGCCATCACTGTAAGGAAAAATAAACTGATTTTAGAAGTCATTGCCATAAT-3'
Protein context (NP_001026859.1, residues 286-306): VVGASDGIIR[Val296Ala]FTESEDRTAS